The following is an entry in ClinVar:

ClinVar aggregate classification (germline): Uncertain significance. Review status: criteria provided, multiple submitters, no conflicts (2 of 4 stars). 3 submissions from 3 submitters: Uncertain significance (3). Last evaluated 2025-01-06.

Conditions:
Inborn genetic diseases. Identifiers: MedGen C0950123, MeSH D030342.

Allele frequency attached by ClinVar (database versions not stated): gnomAD exomes 0.00001 and 0.00003; ExAC 0.00004; gnomAD 0.00012 and 0.00014; TOPMed 0.00019; 1000 Genomes Project 0.00040; 1000 Genomes Project 30x 0.00047.

Submissions (3):

Labcorp Genetics (formerly Invitae), Labcorp
Classification: Uncertain significance. Last evaluated: 2025-01-06. Review status: criteria provided, single submitter. Criteria: Invitae Variant Classification Sherloc (09022015). Collection method: clinical testing. Allele origin: germline.
Comment: This sequence change replaces methionine, which is neutral and non-polar, with threonine, which is neutral and polar, at codon 136 of the MDH2 protein (p.Met136Thr). This variant is present in population databases (rs573925252, gnomAD 0.03%). This variant has not been reported in the literature in individuals affected with MDH2-related conditions. ClinVar contains an entry for this variant (Variation ID: 1386588). Invitae Evidence Modeling of protein sequence and biophysical properties (such as structural, functional, and spatial information, amino acid conservation, physicochemical variation, residue mobility, and thermodynamic stability) indicates that this missense variant is not expected to disrupt MDH2 protein function with a negative predictive value of 80%. In summary, the available evidence is currently insufficient to determine the role of this variant in disease. Therefore, it has been classified as a Variant of Uncertain Significance.

Ambry Genetics
Classification: Uncertain significance for Inborn genetic diseases. Last evaluated: 2022-11-03. Review status: criteria provided, single submitter. Criteria: Ambry Variant Classification Scheme 2023. Collection method: clinical testing. Allele origin: germline.
Comment: The p.M136T variant (also known as c.407T>C), located in coding exon 4 of the MDH2 gene, results from a T to C substitution at nucleotide position 407. The methionine at codon 136 is replaced by threonine, an amino acid with similar properties. This amino acid position is conserved. In addition, this alteration is predicted to be deleterious by in silico analysis. Since supporting evidence is limited at this time, the clinical significance of this alteration remains unclear.

Breakthrough Genomics
Classification: Uncertain significance. Review status: criteria provided, single submitter. Criteria: ACMG Guidelines, 2015. Collection method: not provided. Allele origin: germline. Inheritance: Autosomal recessive inheritance. Affected: yes.

NM_005918.4(MDH2):c.407T>C (p.Met136Thr)

Gene: MDH2 (malate dehydrogenase 2; plus strand). Cytogenetic location: 7q11.23.
Variant type: single nucleotide variant.
Coding change: c.407T>C on transcript NM_005918.4 (MANE Select); coding-DNA position 407, T replaced by C.
Protein change: p.Met136Thr; replaces methionine 136 with threonine.
Molecular consequence: missense variant.
Genome position (GRCh38, 1-based): chr7:76,058,056, T>C. VCF-style: chr7-76058056-T-C. GRCh37 (hg19) VCF-style: chr7-75687374-T-C.
Other names: c.407T>C, p.Met136Thr (NM_001282403.2); c.86T>C, p.Met29Thr (NM_001282404.2); c.407T>C (NM_005918.2); short protein forms M136T, M29T.
Identifiers: ClinVar variation 1386588 (VCV001386588.6), dbSNP rs573925252, ClinGen allele CA4305521.
Genomic context (GRCh38, chr7:76,058,056, plus strand): 5'-CCAATGCCACGATTGTGGCCACCCTGACCGCTGCCTGTGCCCAGCACTGCCCGGAAGCCA[T>C]GATCTGCGTCATTGCCAATCCGGTGAGTGTGGCAGCACCCGGCTCTTGCAGCTATGGCAG-3'
Protein context (NP_005909.2, residues 126-146): AACAQHCPEA[Met136Thr]ICVIANPVNS